The following is an entry in ClinVar:

NC_000023.11:g.(?_37780009)_(37782203_?)del

Gene: CYBB (cytochrome b-245 beta chain; plus strand). Cytogenetic location: Xp11.4.
Variant type: Deletion.
Identifiers: ClinVar variation 830772 (VCV000830772.7).

ClinVar aggregate classification (germline): Pathogenic (1 of 4 stars; one submission).

Conditions:
Granulomatous disease, chronic, X-linked. Also called: GRANULOMATOUS DISEASE, CHRONIC, X-LINKED, SOMATIC MOSAIC; CYTOCHROME b-NEGATIVE GRANULOMATOUS DISEASE, CHRONIC, X-LINKED. Identifiers: Orphanet 379, MedGen C1844376, MONDO:0010600, OMIM 306400.

Submission:

Labcorp Genetics (formerly Invitae), Labcorp
Classification: Pathogenic for Granulomatous disease, chronic, X-linked. Last evaluated: 2019-06-29. Review status: criteria provided, single submitter. Criteria: Invitae Variant Classification Sherloc (09022015). Collection method: clinical testing. Allele origin: germline.
Comment: For these reasons, this variant has been classified as Pathogenic. Loss-of-function variants in CYBB are known to be pathogenic (PMID: 9585602, 20729109). This variant has not been reported in the literature in individuals with CYBB-related conditions. This variant is a gross deletion of the genomic region encompassing exons 1-2 of the CYBB gene, which includes the initiator codon. The 5' end of this event is unknown as it extends beyond the assayed region for this gene and therefore may encompass additional genes. The 3' boundary is likely confined to intron 2 of the CYBB gene. This is expected to result in an absent or disrupted protein product.

Literature cited by the submitters: PubMed 9585602; PubMed 20729109.